The following is an entry in ClinVar:

ClinVar aggregate classification (germline): Uncertain significance (1 of 4 stars; one submission).

Conditions:
Hereditary cancer-predisposing syndrome. Also called: Neoplastic Syndromes, Hereditary; Tumor predisposition; Hereditary neoplastic syndrome; Hereditary Cancer Syndrome. Identifiers: Orphanet 140162, MedGen C0027672, MeSH D009386, MONDO:0015356.

Submission:

Ambry Genetics
Classification: Uncertain significance for Hereditary cancer-predisposing syndrome. Last evaluated: 2023-02-15. Review status: criteria provided, single submitter. Criteria: Ambry Variant Classification Scheme 2023. Collection method: clinical testing. Allele origin: germline.
Comment: The p.E1240G variant (also known as c.3719A>G), located in coding exon 30 of the POLE gene, results from an A to G substitution at nucleotide position 3719. The glutamic acid at codon 1240 is replaced by glycine, an amino acid with similar properties. This amino acid position is conserved. In addition, this alteration is predicted to be tolerated by in silico analysis. Since supporting evidence is limited at this time, the clinical significance of this alteration remains unclear.

NM_006231.4(POLE):c.3719A>G (p.Glu1240Gly)

Gene: POLE (DNA polymerase epsilon, catalytic subunit; minus strand). Cytogenetic location: 12q24.33.
Variant type: single nucleotide variant.
Coding change: c.3719A>G on transcript NM_006231.4 (MANE Select); coding-DNA position 3719, A replaced by G.
Protein change: p.Glu1240Gly; replaces glutamic acid 1240 with glycine.
Molecular consequence: missense variant.
Genome position (GRCh38, 1-based): chr12:132,649,753, T>C on the plus strand (A>G on the coding strand, the complement: POLE is on the minus strand). VCF-style: chr12-132649753-T-C. GRCh37 (hg19) VCF-style: chr12-133226339-T-C.
Other names: short protein forms E1240G.
Identifiers: ClinVar variation 3225443 (VCV003225443.1), dbSNP rs2541954181, ClinGen allele CA387386360.